The following is an entry in ClinVar:

NM_000535.7(PMS2):c.386C>T (p.Ala129Val)

Gene: PMS2 (PMS1 homolog 2, mismatch repair system component; minus strand). Cytogenetic location: 7p22.1.
Variant type: single nucleotide variant.
Coding change: c.386C>T on transcript NM_000535.7 (MANE Select); coding-DNA position 386, C replaced by T.
Protein change: p.Ala129Val; replaces alanine 129 with valine.
Molecular consequence: missense variant. On other transcripts: 5 prime UTR variant (8), non-coding transcript variant (1).
Genome position (GRCh38, 1-based): chr7:6,002,604, G>A on the plus strand (C>T on the coding strand, the complement: PMS2 is on the minus strand). VCF-style: chr7-6002604-G-A. GRCh37 (hg19) VCF-style: chr7-6042235-G-A.
Other names: c.-20C>T (NM_001322003.2, NM_001322004.2, NM_001322005.2 and 3 more transcripts); c.386C>T, p.Ala129Val (NM_001322006.2, NM_001322014.2); c.68C>T, p.Ala23Val (NM_001322007.2, NM_001322008.2); c.-499C>T (NM_001322011.2, NM_001322012.2); c.77C>T, p.Ala26Val (NM_001322015.2); short protein forms A129V, A26V, A23V.
Identifiers: ClinVar variation 237915 (VCV000237915.25), dbSNP rs752284380, ClinGen allele CA049693.
Genomic context (GRCh38, chr7:6,002,604, plus strand): 5'-TAGGGGGTTTTCTGGATAATTTTCCCATTGTGATCAAACATCAGTCGAGTTCCAACCTTC[G>A]CCGATGCGTGGCAGGTAGAAATGGTGACATCGCTGTGAGAGAATACCAGGCATGGTGTGT-3'
Protein context (NP_000526.2, residues 119-139): DVTISTCHAS[Ala129Val]KVGTRLMFDH

ClinVar aggregate classification (germline): Conflicting classifications of pathogenicity. Review status: criteria provided, conflicting classifications (1 of 4 stars). 9 submissions from 9 submitters: Uncertain significance (7); Likely benign (1). 1 of the submissions does not count toward it. Last evaluated 2025-03-16.

Conditions:
Hereditary nonpolyposis colorectal neoplasms. Identifiers: MedGen C0009405, MeSH D003123.
Lynch syndrome 4 (LYNCH4). Also called: Hereditary non-polyposis colorectal cancer, type 4; Colorectal cancer, hereditary nonpolyposis, type 4. Identifiers: Orphanet 144, MedGen C1838333, MONDO:0013699, OMIM 614337. Disease mechanism: loss of function.
Mismatch repair cancer syndrome 4. Identifiers: MedGen C5436817, MONDO:0030843, OMIM 619101.
Hereditary cancer-predisposing syndrome. Also called: Neoplastic Syndromes, Hereditary; Hereditary neoplastic syndrome; Tumor predisposition; Hereditary Cancer Syndrome. Identifiers: Orphanet 140162, MedGen C0027672, MeSH D009386, MONDO:0015356.
Lynch syndrome. Identifiers: Orphanet 144, MedGen C4552100, MONDO:0005835. Disease mechanism: loss of function.

Allele frequency attached by ClinVar (database versions not stated): TOPMed below 0.00001; gnomAD 0.00001; ExAC 0.00002; gnomAD exomes 0.00002.
gnomAD v4.1: 12 of 1,611,754 alleles (0.00074%); highest among the groups gnomAD compares: South Asian, 0.0099%; 1 homozygote.

Submissions (9):

Labcorp Genetics (formerly Invitae), Labcorp
Classification: Uncertain significance for Hereditary nonpolyposis colorectal neoplasms. Last evaluated: 2025-03-16. Review status: criteria provided, single submitter. Criteria: Invitae Variant Classification Sherloc (09022015). Collection method: clinical testing. Allele origin: germline.
Comment: This sequence change replaces alanine, which is neutral and non-polar, with valine, which is neutral and non-polar, at codon 129 of the PMS2 protein (p.Ala129Val). This variant is present in population databases (rs752284380, gnomAD 0.01%). This missense change has been observed in individual(s) with clinical features of PMS2-related conditions (PMID: 21520333). ClinVar contains an entry for this variant (Variation ID: 237915). Invitae Evidence Modeling incorporating data from in vitro experimental studies (internal data) indicates that this missense variant is not expected to disrupt PMS2 function with a negative predictive value of 95%. In summary, the available evidence is currently insufficient to determine the role of this variant in disease. Therefore, it has been classified as a Variant of Uncertain Significance.

GeneDx
Classification: Uncertain significance. Last evaluated: 2025-02-06. Review status: criteria provided, single submitter. Criteria: GeneDx Variant Classification Process June 2021. Collection method: clinical testing. Allele origin: germline. Affected: yes.
Comment: In silico analysis supports that this missense variant has a deleterious effect on protein structure/function; Has not been previously published as pathogenic or benign to our knowledge; This variant is associated with the following publications: (PMID: 11574484)

Baylor Genetics
Classification: Uncertain significance for Lynch syndrome 4. Last evaluated: 2023-11-03. Review status: criteria provided, single submitter. Criteria: ACMG Guidelines, 2015. Collection method: clinical testing. Allele origin: unknown.

All of Us Research Program, National Institutes of Health
Classification: Uncertain significance for Lynch syndrome. Last evaluated: 2023-07-19. Review status: criteria provided, single submitter. Criteria: ACMG Guidelines, 2015. Collection method: clinical testing. Allele origin: germline. Inheritance: Autosomal dominant inheritance. Observed: 1 variant allele, 1 heterozygote.
Comment: This missense variant replaces alanine with valine at codon 129 of the PMS2 protein. Computational prediction suggests that this variant may not impact protein structure and function (internally defined REVEL score threshold <= 0.5, PMID: 27666373). Splice site prediction tools suggest that this variant may not impact RNA splicing. To our knowledge, functional studies have not been reported for this variant. This variant has not been reported in individuals affected with hereditary cancer in the literature. This variant has been identified in 5/251142 chromosomes in the general population by the Genome Aggregation Database (gnomAD). The available evidence is insufficient to determine the role of this variant in disease conclusively. Therefore, this variant is classified as a Variant of Uncertain Significance.

This study involves interpretation of variants in research participants for the purpose of population health screening. Participant phenotype was not available at the time of variant classification. Additional details can be found in publication PMID: 35346344, PMCID: PMC8962531

Color Diagnostics, LLC DBA Color Health
Classification: Uncertain significance for Hereditary cancer-predisposing syndrome. Last evaluated: 2023-06-28. Review status: criteria provided, single submitter. Criteria: ACMG Guidelines, 2015. Collection method: clinical testing. Allele origin: germline.
Comment: This missense variant replaces alanine with valine at codon 129 of the PMS2 protein. Computational prediction suggests that this variant may not impact protein structure and function (internally defined REVEL score threshold <= 0.5, PMID: 27666373). To our knowledge, functional studies have not been reported for this variant. This variant has not been reported in individuals affected with PMS2-related disorders in the literature. This variant has been identified in 5/251142 chromosomes in the general population by the Genome Aggregation Database (gnomAD). The available evidence is insufficient to determine the role of this variant in disease conclusively. Therefore, this variant is classified as a Variant of Uncertain Significance.

Myriad Genetics, Inc.
Classification: Uncertain significance for Lynch syndrome 4. Last evaluated: 2023-04-04. Review status: criteria provided, single submitter. Criteria: Myriad Autosomal Dominant, Autosomal Recessive and X-Linked Classification Criteria (2023). Collection method: clinical testing. Allele origin: unknown.
Comment: This variant is classified as a variant of uncertain significance as there is insufficient evidence to determine its impact on protein function and/or cancer risk.

Ambry Genetics
Classification: Likely benign for Hereditary cancer-predisposing syndrome. Last evaluated: 2022-12-20. Review status: criteria provided, single submitter. Criteria: Ambry Variant Classification Scheme 2023. Collection method: clinical testing. Allele origin: germline.

Fulgent Genetics
Classification: Uncertain significance for Lynch syndrome 4; Mismatch repair cancer syndrome 4. Last evaluated: 2021-10-14. Review status: criteria provided, single submitter. Criteria: ACMG Guidelines, 2015. Collection method: clinical testing. Allele origin: unknown.

Counsyl
Classification: Uncertain significance for Lynch syndrome 4. Last evaluated: 2017-09-12. Review status: no assertion criteria provided. Collection method: clinical testing. Allele origin: unknown. Not counted in ClinVar's aggregate classification.

Literature cited by the submitters: PubMed 21520333 (cited by Labcorp Genetics (formerly Invitae), Labcorp).